The following is an entry in ClinVar:

NM_015272.5(RPGRIP1L):c.2380A>G (p.Ile794Val)

Gene: RPGRIP1L (RPGRIP1 like; minus strand). Cytogenetic location: 16q12.2.
Variant type: single nucleotide variant.
Coding change: c.2380A>G on transcript NM_015272.5 (MANE Select); coding-DNA position 2380, A replaced by G.
Protein change: p.Ile794Val; replaces isoleucine 794 with valine.
Molecular consequence: missense variant.
Genome position (GRCh38, 1-based): chr16:53,645,928, T>C on the plus strand (A>G on the coding strand, the complement: RPGRIP1L is on the minus strand). VCF-style: chr16-53645928-T-C. GRCh37 (hg19) VCF-style: chr16-53679840-T-C.
Other names: c.2380A>G, p.Ile794Val (NM_001127897.4, NM_001308334.3, NM_001330538.2); c.2380A>G (NM_015272.4); short protein forms I794V.
Identifiers: ClinVar variation 1380527 (VCV001380527.4), dbSNP rs781443815, ClinGen allele CA8057557.

ClinVar aggregate classification (germline): Uncertain significance. Review status: criteria provided, multiple submitters, no conflicts (2 of 4 stars). 2 submissions from 2 submitters: Uncertain significance (2). Last evaluated 2025-05-27.

Conditions:
Joubert syndrome. Also called: Familial aplasia of the vermis; JOUBERT-BOLTSHAUSER SYNDROME. Identifiers: Orphanet 475, MedGen C5979921, MONDO:0018772.
Meckel-Gruber syndrome. Also called: Dysencephalia splachnocystica; GRUBER SYNDROME; DYSENCEPHALIA SPLANCHNOCYSTICA. Identifiers: Orphanet 564, MedGen C0265215, MONDO:0018921.
RPGRIP1L-related disorder. Also called: RPGRIP1L-related condition; RPGRIP1L-related disorders. Identifiers: MedGen CN239416.

Allele frequency attached by ClinVar (database versions not stated): gnomAD exomes below 0.00001 and 0.00001; ExAC 0.00001; TOPMed 0.00002.
gnomAD v4.1: 10 of 1,614,134 alleles (0.00062%); highest among the groups gnomAD compares: East Asian, 0.0045%; no homozygotes.

Submissions (2):

PreventionGenetics, part of Exact Sciences
Classification: Uncertain significance for RPGRIP1L-related condition. Last evaluated: 2025-05-27. Review status: criteria provided, single submitter. Criteria: ACMG Guidelines, 2015. Collection method: clinical testing. Allele origin: germline.
Comment: The RPGRIP1L c.2380A>G variant is predicted to result in the amino acid substitution p.Ile794Val. To our knowledge, this variant has not been reported in the literature. This variant is reported in 0.0054% of alleles in individuals of East Asian descent in gnomAD. At this time, the clinical significance of this variant is uncertain due to the absence of conclusive functional and genetic evidence.

Labcorp Genetics (formerly Invitae), Labcorp
Classification: Uncertain significance for Joubert syndrome; Meckel-Gruber syndrome. Last evaluated: 2022-10-13. Review status: criteria provided, single submitter. Criteria: Invitae Variant Classification Sherloc (09022015). Collection method: clinical testing. Allele origin: germline.
Comment: This sequence change replaces isoleucine, which is neutral and non-polar, with valine, which is neutral and non-polar, at codon 794 of the RPGRIP1L protein (p.Ile794Val). This variant is present in population databases (rs781443815, gnomAD 0.006%). This variant has not been reported in the literature in individuals affected with RPGRIP1L-related conditions. ClinVar contains an entry for this variant (Variation ID: 1380527). Advanced modeling of protein sequence and biophysical properties (such as structural, functional, and spatial information, amino acid conservation, physicochemical variation, residue mobility, and thermodynamic stability) performed at Invitae indicates that this missense variant is not expected to disrupt RPGRIP1L protein function. In summary, the available evidence is currently insufficient to determine the role of this variant in disease. Therefore, it has been classified as a Variant of Uncertain Significance.